The following is an entry in ClinVar:

NM_014844.5(TECPR2):c.-20A>C

Gene: TECPR2 (tectonin beta-propeller repeat containing 2; plus strand). Cytogenetic location: 14q32.31.
Variant type: single nucleotide variant.
Coding change: c.-20A>C on transcript NM_014844.5 (MANE Select); 20 bases upstream of the start codon, A replaced by C.
Molecular consequence: 5 prime UTR variant.
Genome position (GRCh38, 1-based): chr14:102,376,702, A>C. VCF-style: chr14-102376702-A-C. GRCh37 (hg19) VCF-style: chr14-102843039-A-C.
Other names: c.-20A>C (NM_001172631.3).
Identifiers: ClinVar variation 380926 (VCV000380926.2), dbSNP rs2296145, ClinGen allele CA7357308.
Genomic context (GRCh38, chr14:102,376,702, plus strand): 5'-TTCTGTAGCCCCCAGGTTTCCCTAGATGACAAATAAACATTCCTTTTCCTGCGTGAAGAT[A>C]GTCTGTGGAAACCTTGGCCATGGCATCGATATCAGAGCCTGTTACATTCAGAGAGTTCTG-3'

ClinVar aggregate classification (germline): Benign. Review status: criteria provided, multiple submitters, no conflicts (2 of 4 stars). 2 submissions from 2 submitters: Benign (2). Last evaluated 2016-04-15.

Allele frequency attached by ClinVar (database versions not stated): gnomAD exomes 0.03335 and 0.03850; ESP Exome Variant Server 0.03806; ExAC 0.03831; gnomAD 0.03960 and 0.03963; 1000 Genomes Project 30x 0.04076; TOPMed 0.04115; 1000 Genomes Project 0.04133.
gnomAD v4.1: 54,743 of 1,608,772 alleles (3.4%); highest among the groups gnomAD compares: Admixed American, 5.6%; 1,080 homozygotes.

Submissions (2):

GeneDx
Classification: Benign. Last evaluated: 2016-04-15. Review status: criteria provided, single submitter. Criteria: GeneDx Variant Classification (06012015). Collection method: clinical testing. Allele origin: germline. Affected: yes.
Comment: This variant is considered likely benign or benign based on one or more of the following criteria: it is a conservative change, it occurs at a poorly conserved position in the protein, it is predicted to be benign by multiple in silico algorithms, and/or has population frequency not consistent with disease.

Breakthrough Genomics
Classification: Benign. Review status: criteria provided, single submitter. Criteria: ACMG Guidelines, 2015. Collection method: not provided. Allele origin: germline. Inheritance: Autosomal recessive inheritance. Affected: yes.